The following is an entry in ClinVar:

ClinVar aggregate classification (germline): Uncertain significance (1 of 4 stars; one submission).

Allele frequency attached by ClinVar (database versions not stated): gnomAD 0.00001; gnomAD exomes 0.00001; ExAC 0.00002.
gnomAD v4.1: 17 of 1,613,860 alleles (0.0011%); highest among the groups gnomAD compares: Admixed American, 0.0067%; no homozygotes.

Submission:

Labcorp Genetics (formerly Invitae), Labcorp
Classification: Uncertain significance. Last evaluated: 2024-07-29. Review status: criteria provided, single submitter. Criteria: Invitae Variant Classification Sherloc (09022015). Collection method: clinical testing. Allele origin: germline.
Comment: This sequence change replaces leucine, which is neutral and non-polar, with phenylalanine, which is neutral and non-polar, at codon 292 of the FAT1 protein (p.Leu292Phe). This variant is present in population databases (rs775096578, gnomAD 0.006%). This variant has not been reported in the literature in individuals affected with FAT1-related conditions. ClinVar contains an entry for this variant (Variation ID: 1946530). An algorithm developed to predict the effect of missense changes on protein structure and function (PolyPhen-2) suggests that this variant is likely to be disruptive. In summary, the available evidence is currently insufficient to determine the role of this variant in disease. Therefore, it has been classified as a Variant of Uncertain Significance.

NM_005245.4(FAT1):c.876A>T (p.Leu292Phe)

Gene: FAT1 (FAT atypical cadherin 1; minus strand). Cytogenetic location: 4q35.2.
Variant type: single nucleotide variant.
Coding change: c.876A>T on transcript NM_005245.4 (MANE Select); coding-DNA position 876, A replaced by T.
Protein change: p.Leu292Phe; replaces leucine 292 with phenylalanine.
Molecular consequence: missense variant.
Genome position (GRCh38, 1-based): chr4:186,708,952, T>A on the plus strand (A>T on the coding strand, the complement: FAT1 is on the minus strand). VCF-style: chr4-186708952-T-A. GRCh37 (hg19) VCF-style: chr4-187630106-T-A.
Other names: short protein forms L292F.
Identifiers: ClinVar variation 1946530 (VCV001946530.5), dbSNP rs775096578, ClinGen allele CA3167575.